The following is an entry in ClinVar:

NM_004385.5(VCAN):c.3245C>T (p.Thr1082Ile)

Gene: VCAN (versican; plus strand). Cytogenetic location: 5q14.3.
Variant type: single nucleotide variant.
Coding change: c.3245C>T on transcript NM_004385.5 (MANE Select); coding-DNA position 3245, C replaced by T.
Protein change: p.Thr1082Ile; replaces threonine 1082 with isoleucine.
Molecular consequence: missense variant. On other transcripts: intron variant (2).
Genome position (GRCh38, 1-based): chr5:83,521,551, C>T. VCF-style: chr5-83521551-C-T. GRCh37 (hg19) VCF-style: chr5-82817370-C-T.
Other names: c.3245C>T, p.Thr1082Ile (NM_001164098.2); c.1042+9155C>T (NM_001164097.2, NM_001126336.3); short protein forms T1082I.
Identifiers: ClinVar variation 2996035 (VCV002996035.4), dbSNP rs1402625303, ClinGen allele CA360305648.

ClinVar aggregate classification (germline): Uncertain significance. Review status: criteria provided, multiple submitters, no conflicts (2 of 4 stars). 2 submissions from 2 submitters: Uncertain significance (2). Last evaluated 2024-12-26.

Submissions (2):

Labcorp Genetics (formerly Invitae), Labcorp
Classification: Uncertain significance. Last evaluated: 2024-12-26. Review status: criteria provided, single submitter. Criteria: Invitae Variant Classification Sherloc (09022015). Collection method: clinical testing. Allele origin: germline.
Comment: This sequence change replaces threonine, which is neutral and polar, with isoleucine, which is neutral and non-polar, at codon 1082 of the VCAN protein (p.Thr1082Ile). This variant is not present in population databases (gnomAD no frequency). This variant has not been reported in the literature in individuals affected with VCAN-related conditions. ClinVar contains an entry for this variant (Variation ID: 2996035). An algorithm developed to predict the effect of missense changes on protein structure and function outputs the following: PolyPhen-2: "Benign". The isoleucine amino acid residue is found in multiple mammalian species, which suggests that this missense change does not adversely affect protein function. In summary, the available evidence is currently insufficient to determine the role of this variant in disease. Therefore, it has been classified as a Variant of Uncertain Significance.

Blueprint Genetics
Classification: Uncertain significance. Last evaluated: 2022-06-06. Review status: criteria provided, single submitter. Criteria: ACMG Guidelines, 2015. Collection method: clinical testing. Allele origin: germline.